The following is an entry in ClinVar:

ClinVar aggregate classification (germline): Pathogenic (1 of 4 stars; one submission).

Conditions:
Mucopolysaccharidosis type 1. Also called: IDUA deficiency; MPS I; Mucopolysaccharidosis Type I. Identifiers: Orphanet 579, MedGen C0023786, MONDO:0001586.

Submission:

Labcorp Genetics (formerly Invitae), Labcorp
Classification: Pathogenic for Mucopolysaccharidosis type 1. Last evaluated: 2023-03-26. Review status: criteria provided, single submitter. Criteria: Invitae Variant Classification Sherloc (09022015). Collection method: clinical testing. Allele origin: germline.
Comment: This sequence change creates a premature translational stop signal (p.Val511Glyfs*61) in the IDUA gene. It is expected to result in an absent or disrupted protein product. Loss-of-function variants in IDUA are known to be pathogenic (PMID: 11735025, 21480867). This variant is not present in population databases (gnomAD no frequency). This variant has not been reported in the literature in individuals affected with IDUA-related conditions. For these reasons, this variant has been classified as Pathogenic.

Literature cited by the submitters: PubMed 11735025; PubMed 21480867.

NM_000203.5(IDUA):c.1529dup (p.Val511fs)

Gene: IDUA (alpha-L-iduronidase; plus strand). Cytogenetic location: 4p16.3.
Variant type: Duplication.
Coding change: c.1529dup on transcript NM_000203.5 (MANE Select); coding-DNA position 1529, one base duplicated (C; older notation c.1529dupC).
Protein change: p.Val511fs; shifts the reading frame from valine 511.
Molecular consequence: frameshift variant. On other transcripts: non-coding transcript variant (1).
Genome position (GRCh38, 1-based): chr4:1,003,349, C duplicated; the last of 3 consecutive C bases (chr4:1,003,347-1,003,349); duplicating any one gives the same sequence. VCF-style (leftmost placement, unchanged base first): chr4-1003346-A-AC. GRCh37 (hg19) VCF-style: chr4-997134-A-AC.
Other names: c.1133dup, p.Val379fs (NM_001363576.1); short protein forms V511fs, V379fs.
Identifiers: ClinVar variation 2849541 (VCV002849541.3), dbSNP rs2534097073, ClinGen allele CA2739265860.